The following is an entry in ClinVar:

ClinVar aggregate classification (germline): Uncertain significance (1 of 4 stars; one submission).

Conditions:
Dyskeratosis congenita, autosomal dominant 2. Identifiers: MedGen C3151443, MONDO:0013521, OMIM 613989.
Idiopathic Pulmonary Fibrosis. Also called: Idiopathic fibrosing alveolitis, chronic form; idiopathic fibrosing alveolitis. Identifiers: Orphanet 2032, MedGen C1800706, MeSH D054990, MONDO:0800504.

Submission:

Labcorp Genetics (formerly Invitae), Labcorp
Classification: Uncertain significance for Dyskeratosis congenita, autosomal dominant 2; Idiopathic Pulmonary Fibrosis. Last evaluated: 2023-09-10. Review status: criteria provided, single submitter. Criteria: Invitae Variant Classification Sherloc (09022015). Collection method: clinical testing. Allele origin: germline.
Comment: In summary, the available evidence is currently insufficient to determine the role of this variant in disease. Therefore, it has been classified as a Variant of Uncertain Significance. Advanced modeling of protein sequence and biophysical properties (such as structural, functional, and spatial information, amino acid conservation, physicochemical variation, residue mobility, and thermodynamic stability) performed at Invitae indicates that this missense variant is not expected to disrupt TERT protein function. ClinVar contains an entry for this variant (Variation ID: 1464054). This variant has not been reported in the literature in individuals affected with TERT-related conditions. This variant is not present in population databases (gnomAD no frequency). This sequence change replaces glycine, which is neutral and non-polar, with glutamic acid, which is acidic and polar, at codon 106 of the TERT protein (p.Gly106Glu).

NM_198253.3(TERT):c.317G>A (p.Gly106Glu)

Gene: TERT (telomerase reverse transcriptase; minus strand). Cytogenetic location: 5p15.33.
Variant type: single nucleotide variant.
Coding change: c.317G>A on transcript NM_198253.3 (MANE Select); coding-DNA position 317, G replaced by A.
Protein change: p.Gly106Glu; replaces glycine 106 with glutamic acid.
Molecular consequence: missense variant. On other transcripts: non-coding transcript variant (2).
Genome position (GRCh38, 1-based): chr5:1,294,569, C>T on the plus strand (G>A on the coding strand, the complement: TERT is on the minus strand). VCF-style: chr5-1294569-C-T. GRCh37 (hg19) VCF-style: chr5-1294684-C-T.
Other names: c.317G>A, p.Gly106Glu (NM_001193376.3); short protein forms G106E.
Identifiers: ClinVar variation 1464054 (VCV001464054.6), dbSNP rs1024983534, ClinGen allele CA359058341.